The following is an entry in ClinVar:

NM_001848.3(COL6A1):c.666C>T (p.Arg222=)

Gene: COL6A1 (collagen type VI alpha 1 chain; plus strand). Cytogenetic location: 21q22.3.
Variant type: single nucleotide variant.
Coding change: c.666C>T on transcript NM_001848.3 (MANE Select); coding-DNA position 666, C replaced by T.
Protein change: p.Arg222=; no amino-acid change (arginine 222 retained).
Molecular consequence: synonymous variant.
Genome position (GRCh38, 1-based): chr21:45,987,021, C>T. VCF-style: chr21-45987021-C-T. GRCh37 (hg19) VCF-style: chr21-47406935-C-T.
Identifiers: ClinVar variation 283757 (VCV000283757.44), dbSNP rs372581026, ClinGen allele CA10069646.

ClinVar aggregate classification (germline): Conflicting classifications of pathogenicity. Review status: criteria provided, conflicting classifications (1 of 4 stars). 5 submissions from 5 submitters: Uncertain significance (1); Likely benign (4). Last evaluated 2026-09-01.

Conditions:
COL6A1-related disorder. Also called: COL6A1-related condition.
Bethlem myopathy 1A. Also called: Bethlem Muscular Dystrophy; MYOPATHY, BENIGN CONGENITAL, WITH CONTRACTURES; Bethlem myopathy 1. Identifiers: Orphanet 610, MedGen CN029274, MONDO:0024530, OMIM 158810.

Allele frequency attached by ClinVar (database versions not stated): ESP Exome Variant Server 0.00008; 1000 Genomes Project 30x 0.00016; gnomAD exomes 0.00019 and 0.00040; 1000 Genomes Project 0.00020; ExAC 0.00027; TOPMed 0.00027; gnomAD 0.00030 and 0.00032.
gnomAD v4.1: 601 of 1,551,422 alleles (0.039%); highest among the groups gnomAD compares: Non-Finnish European, 0.049%; no homozygotes.

Submissions (5):

CeGaT Center for Human Genetics Tuebingen
Classification: Likely benign. Last evaluated: 2026-09-01. Review status: criteria provided, single submitter. Criteria: CeGaT Center For Human Genetics Tuebingen Variant Classification Criteria Version 2. Collection method: clinical testing. Allele origin: germline. Affected: yes. Observed: 4 variant alleles.
Comment: COL6A1: BP4, BP7

Labcorp Genetics (formerly Invitae), Labcorp
Classification: Likely benign for Bethlem myopathy 1A. Last evaluated: 2026-01-02. Review status: criteria provided, single submitter. Criteria: Invitae Variant Classification Sherloc (09022015). Collection method: clinical testing. Allele origin: germline.

PreventionGenetics, part of Exact Sciences
Classification: Likely benign for COL6A1-related condition. Last evaluated: 2025-09-02. Review status: criteria provided, single submitter. Criteria: ACMG Guidelines, 2015. Collection method: clinical testing. Allele origin: germline.
Comment: This variant is classified as likely benign based on ACMG/AMP sequence variant interpretation guidelines (Richards et al. 2015 PMID: 25741868, with internal and published modifications).

GeneDx
Classification: Likely benign. Last evaluated: 2019-11-19. Review status: criteria provided, single submitter. Criteria: GeneDx Variant Classification Process June 2021. Collection method: clinical testing. Allele origin: germline. Affected: yes.

Eurofins Ntd Llc (ga)
Classification: Uncertain significance. Last evaluated: 2017-11-10. Review status: criteria provided, single submitter. Criteria: EGL Classification Definitions 2015. Collection method: clinical testing. Allele origin: germline. Observed: 7 variant alleles, 6 heterozygotes, 1 homozygote.